The following is an entry in ClinVar:

NM_015046.7(SETX):c.3530C>T (p.Ser1177Leu)

Gene: SETX (senataxin; minus strand). Cytogenetic location: 9q34.13.
Variant type: single nucleotide variant.
Coding change: c.3530C>T on transcript NM_015046.7 (MANE Select); coding-DNA position 3530, C replaced by T.
Protein change: p.Ser1177Leu; replaces serine 1177 with leucine.
Molecular consequence: missense variant.
Genome position (GRCh38, 1-based): chr9:132,328,068, G>A on the plus strand (C>T on the coding strand, the complement: SETX is on the minus strand). VCF-style: chr9-132328068-G-A. GRCh37 (hg19) VCF-style: chr9-135203455-G-A.
Other names: c.3530C>T, p.Ser1177Leu (NM_001351527.2, NM_001351528.2); short protein forms S1177L.
Identifiers: ClinVar variation 1732363 (VCV001732363.2), dbSNP rs2539107917, ClinGen allele CA375330153.
Genomic context (GRCh38, chr9:132,328,068, plus strand): 5'-TCATTTCCCACAAGATCTCTCTTATTAGTATCAGACTGGCCCTCATTTCTGACAGAAGAT[G>A]AAGGCCTCACAGGATCTTCAGCCATTGGTTTTTCAGATCGTTTTCTCTTAGGCTTTTTTA-3'
Protein context (NP_055861.3, residues 1167-1187): KPMAEDPVRP[Ser1177Leu]SSVRNEGQSD

ClinVar aggregate classification (germline): Uncertain significance (1 of 4 stars; one submission).

Conditions:
Inborn genetic diseases. Identifiers: MedGen C0950123, MeSH D030342.

Allele frequency attached by ClinVar (database versions not stated): gnomAD exomes below 0.00001.
gnomAD v4.1: 2 of 1,614,138 alleles (0.00012%); highest among the groups gnomAD compares: Non-Finnish European, 0.00017%; no homozygotes.

Submission:

Ambry Genetics
Classification: Uncertain significance for Inborn genetic diseases. Last evaluated: 2021-06-12. Review status: criteria provided, single submitter. Criteria: Ambry Variant Classification Scheme 2023. Collection method: clinical testing. Allele origin: germline.
Comment: The p.S1177L variant (also known as c.3530C>T), located in coding exon 8 of the SETX gene, results from a C to T substitution at nucleotide position 3530. The serine at codon 1177 is replaced by leucine, an amino acid with dissimilar properties. This amino acid position is conserved. In addition, the in silico prediction for this alteration is inconclusive. Since supporting evidence is limited at this time, the clinical significance of this alteration remains unclear.